The following is an entry in ClinVar:

ClinVar aggregate classification (germline): Uncertain significance. Review status: criteria provided, multiple submitters, no conflicts (2 of 4 stars). 2 submissions from 2 submitters: Uncertain significance (2). Last evaluated 2023-07-07.

Conditions:
5-Oxoprolinase deficiency (OPLAHD). Also called: 5-OXOPROLINURIA DUE TO 5-OXOPROLINASE DEFICIENCY. Identifiers: Orphanet 33572, MedGen C0268525, MONDO:0009825, OMIM 260005, HP:0040142.

Allele frequency attached by ClinVar (database versions not stated): gnomAD exomes 0.00001; ExAC 0.00001.
gnomAD v4.1: 5 of 1,612,784 alleles (0.00031%); highest among the groups gnomAD compares: Admixed American, 0.0017%; no homozygotes.

Submissions (2):

Labcorp Genetics (formerly Invitae), Labcorp
Classification: Uncertain significance for 5-Oxoprolinase deficiency. Last evaluated: 2023-07-07. Review status: criteria provided, single submitter. Criteria: Invitae Variant Classification Sherloc (09022015). Collection method: clinical testing. Allele origin: germline.
Comment: In summary, the available evidence is currently insufficient to determine the role of this variant in disease. Therefore, it has been classified as a Variant of Uncertain Significance. Experimental studies and prediction algorithms are not available or were not evaluated, and the functional significance of this variant is currently unknown. ClinVar contains an entry for this variant (Variation ID: 1440882). This variant has not been reported in the literature in individuals affected with OPLAH-related conditions. This variant is present in population databases (rs781819330, gnomAD 0.002%). This sequence change replaces alanine, which is neutral and non-polar, with threonine, which is neutral and polar, at codon 46 of the OPLAH protein (p.Ala46Thr).

Fulgent Genetics
Classification: Uncertain significance for 5-Oxoprolinase deficiency. Last evaluated: 2021-11-18. Review status: criteria provided, single submitter. Criteria: ACMG Guidelines, 2015. Collection method: clinical testing. Allele origin: unknown.

NM_017570.5(OPLAH):c.136G>A (p.Ala46Thr)

Gene: OPLAH (5-oxoprolinase, ATP-hydrolysing; minus strand). Cytogenetic location: 8q24.3.
Variant type: single nucleotide variant.
Coding change: c.136G>A on transcript NM_017570.5 (MANE Select); coding-DNA position 136, G replaced by A.
Protein change: p.Ala46Thr; replaces alanine 46 with threonine.
Molecular consequence: missense variant.
Genome position (GRCh38, 1-based): chr8:144,059,897, C>T on the plus strand (G>A on the coding strand, the complement: OPLAH is on the minus strand). VCF-style: chr8-144059897-C-T. GRCh37 (hg19) VCF-style: chr8-145114800-C-T.
Other names: short protein forms A46T.
Identifiers: ClinVar variation 1440882 (VCV001440882.8), dbSNP rs781819330, ClinGen allele CA4932401.